The following is an entry in ClinVar:

NM_004415.4(DSP):c.4046G>A (p.Ser1349Asn)

Gene: DSP (desmoplakin; plus strand). Cytogenetic location: 6p24.3.
Variant type: single nucleotide variant.
Coding change: c.4046G>A on transcript NM_004415.4 (MANE Select); coding-DNA position 4046, G replaced by A.
Protein change: p.Ser1349Asn; replaces serine 1349 with asparagine.
Molecular consequence: missense variant. On other transcripts: intron variant (1).
Genome position (GRCh38, 1-based): chr6:7,580,236, G>A. VCF-style: chr6-7580236-G-A. GRCh37 (hg19) VCF-style: chr6-7580469-G-A.
Other names: c.4046G>A (LRG_423t1); c.4046G>A, p.Ser1349Asn (NM_001319034.2); c.3582+464G>A (NM_001008844.3); short protein forms S1349N.
Identifiers: ClinVar variation 405227 (VCV000405227.14), dbSNP rs144465638, ClinGen allele CA039976.

ClinVar aggregate classification (germline): Conflicting classifications of pathogenicity. Review status: criteria provided, conflicting classifications (1 of 4 stars). 6 submissions from 6 submitters: Uncertain significance (5); Likely benign (1). Last evaluated 2025-05-27.

Conditions:
Cardiovascular phenotype. Identifiers: MedGen CN230736.
Woolly hair-skin fragility syndrome (WHSF). Identifiers: Orphanet 293165, MedGen C1843292, MONDO:0957307, OMIM 620415.
Cardiomyopathy, dilated, with wooly hair, keratoderma, and tooth agenesis. Also called: Erythrokeratodermia-cardiomyopathy syndrome; Cardiomyopathy, dilated, with woolly hair, keratoderma, and tooth agenesis. Identifiers: Orphanet 476096, Orphanet 65282, MedGen C4014393, MONDO:0014355, OMIM 615821.
Keratosis palmoplantaris striata 2. Also called: Keratosis palmoplantaris striata II; KERATODERMA, PALMOPLANTAR, STRIATE FORM II; STRIATE PALMOPLANTAR KERATODERMA II. Identifiers: MedGen C1852127, MONDO:0013034, OMIM 612908.
Lethal acantholytic epidermolysis bullosa (EBLA). Identifiers: Orphanet 158687, MedGen C1864826, MONDO:0012323, OMIM 609638.
Arrhythmogenic cardiomyopathy with wooly hair and keratoderma. Also called: PALMOPLANTAR KERATODERMA WITH LEFT VENTRICULAR CARDIOMYOPATHY AND WOOLLY HAIR; Dilated cardiomyopathy with woolly hair and keratoderma; Arrhythmogenic cardiomyopathy with woolly hair and keratoderma; Carvajal syndrome. Identifiers: Orphanet 65282, MedGen C1854063, MONDO:0011581, OMIM 605676.
Arrhythmogenic right ventricular dysplasia 8 (ARVD8). Also called: Arrhythmogenic Right Ventricular Dysplasia/Cardiomyopathy 8; ARRHYTHMOGENIC RIGHT VENTRICULAR CARDIOMYOPATHY 8; ARRHYTHMOGENIC RIGHT VENTRICULAR DYSPLASIA, FAMILIAL, 8. Identifiers: MedGen C1843896, MONDO:0011831, OMIM 607450.
Cardiomyopathy (CMYO). Also called: Cardiomyopathies. Identifiers: Orphanet 167848, MedGen C0878544, MONDO:0004994, HP:0001638. Inheritance: Various modes of inheritance.

Allele frequency attached by ClinVar (database versions not stated): gnomAD 0.00001 and 0.00002; ExAC 0.00002; gnomAD exomes 0.00002; ESP Exome Variant Server 0.00008; 1000 Genomes Project 0.00020; 1000 Genomes Project 30x 0.00031.
gnomAD v4.1: 28 of 1,613,972 alleles (0.0017%); highest among the groups gnomAD compares: Non-Finnish European, 0.0023%; no homozygotes.

Submissions (6):

Labcorp Genetics (formerly Invitae), Labcorp
Classification: Likely benign for Arrhythmogenic cardiomyopathy with wooly hair and keratoderma; Arrhythmogenic right ventricular dysplasia 8. Last evaluated: 2025-05-27. Review status: criteria provided, single submitter. Criteria: Invitae Variant Classification Sherloc (09022015). Collection method: clinical testing. Allele origin: germline.

Ambry Genetics
Classification: Uncertain significance for Cardiovascular phenotype. Last evaluated: 2025-02-08. Review status: criteria provided, single submitter. Criteria: Ambry Variant Classification Scheme 2023. Collection method: clinical testing. Allele origin: germline.
Comment: The p.S1349N variant (also known as c.4046G>A), located in coding exon 23 of the DSP gene, results from a G to A substitution at nucleotide position 4046. The serine at codon 1349 is replaced by asparagine, an amino acid with highly similar properties. This amino acid position is poorly conserved in available vertebrate species. In addition, this alteration is predicted to be tolerated by in silico analysis. Based on the available evidence, the clinical significance of this variant remains unclear.

Blueprint Genetics
Classification: Uncertain significance. Last evaluated: 2024-08-05. Review status: criteria provided, single submitter. Criteria: ACMG Guidelines, 2015. Collection method: clinical testing. Allele origin: germline.

All of Us Research Program, National Institutes of Health
Classification: Uncertain significance for Arrhythmogenic cardiomyopathy with wooly hair and keratoderma. Last evaluated: 2023-09-17. Review status: criteria provided, single submitter. Criteria: ACMG Guidelines, 2015. Collection method: clinical testing. Allele origin: germline. Inheritance: Autosomal dominant inheritance. Observed: 5 variant alleles, 5 heterozygotes.
Comment: This missense variant replaces serine with asparagine at codon 1349 of the DSP protein. Computational prediction suggests that this variant may not impact protein structure and function (internally defined REVEL score threshold <= 0.5, PMID: 27666373). To our knowledge, functional studies have not been reported for this variant. This variant has not been reported in individuals affected with cardiovascular disorders in the literature. This variant has been identified in 6/250638 chromosomes in the general population by the Genome Aggregation Database (gnomAD). The available evidence is insufficient to determine the role of this variant in disease conclusively. Therefore, this variant is classified as a Variant of Uncertain Significance.

This study involves interpretation of variants in research participants for the purpose of population health screening. Participant phenotype was not available at the time of variant classification. Additional details can be found in publication PMID: 35346344, PMCID: PMC8962531

Color Diagnostics, LLC DBA Color Health
Classification: Uncertain significance for Cardiomyopathy. Last evaluated: 2023-08-23. Review status: criteria provided, single submitter. Criteria: ACMG Guidelines, 2015. Collection method: clinical testing. Allele origin: germline.
Comment: This missense variant replaces serine with asparagine at codon 1349 of the DSP protein. Computational prediction suggests that this variant may not impact protein structure and function (internally defined REVEL score threshold <= 0.5, PMID: 27666373). To our knowledge, functional studies have not been reported for this variant. This variant has not been reported in individuals affected with cardiovascular disorders in the literature. This variant has been identified in 6/250638 chromosomes in the general population by the Genome Aggregation Database (gnomAD). The available evidence is insufficient to determine the role of this variant in disease conclusively. Therefore, this variant is classified as a Variant of Uncertain Significance.

Fulgent Genetics
Classification: Uncertain significance for Arrhythmogenic cardiomyopathy with wooly hair and keratoderma; Arrhythmogenic right ventricular dysplasia 8; Lethal acantholytic epidermolysis bullosa; Keratosis palmoplantaris striata 2; Cardiomyopathy, dilated, with wooly hair, keratoderma, and tooth agenesis. Last evaluated: 2021-11-18. Review status: criteria provided, single submitter. Criteria: ACMG Guidelines, 2015. Collection method: clinical testing. Allele origin: unknown.